The following is an entry in ClinVar:

ClinVar aggregate classification (germline): Uncertain significance (1 of 4 stars; one submission).

Allele frequency attached by ClinVar (database versions not stated): ExAC 0.00002; gnomAD exomes 0.00002 and 0.00003; TOPMed 0.00002; gnomAD 0.00003.
gnomAD v4.1: 35 of 1,613,084 alleles (0.0022%); highest among the groups gnomAD compares: East Asian, 0.062%; no homozygotes.

Submission:

Labcorp Genetics (formerly Invitae), Labcorp
Classification: Uncertain significance. Last evaluated: 2021-11-11. Review status: criteria provided, single submitter. Criteria: Invitae Variant Classification Sherloc (09022015). Collection method: clinical testing. Allele origin: germline.
Comment: Variants that disrupt the consensus splice site are a relatively common cause of aberrant splicing (PMID: 17576681, 9536098). Algorithms developed to predict the effect of sequence changes on RNA splicing suggest that this variant is not likely to affect RNA splicing. This variant has not been reported in the literature in individuals affected with GTPBP3-related conditions. This variant is present in population databases (rs765057345, gnomAD 0.02%). This sequence change falls in intron 5 of the GTPBP3 gene. It does not directly change the encoded amino acid sequence of the GTPBP3 protein. It affects a nucleotide within the consensus splice site. In summary, the available evidence is currently insufficient to determine the role of this variant in disease. Therefore, it has been classified as a Variant of Uncertain Significance.

Literature cited by the submitters: PubMed 17576681; PubMed 9536098.

NM_032620.4(GTPBP3):c.809-3C>T

Gene: GTPBP3 (GTP binding protein 3, mitochondrial; plus strand). Cytogenetic location: 19p13.11.
Variant type: single nucleotide variant.
Coding change: c.809-3C>T on transcript NM_032620.4 (MANE Select); 3 bases into the intron before coding-DNA position 809, C replaced by T.
Molecular consequence: intron variant.
Genome position (GRCh38, 1-based): chr19:17,339,431, C>T. VCF-style: chr19-17339431-C-T. GRCh37 (hg19) VCF-style: chr19-17450240-C-T.
Other names: c.875-3C>T (NM_001195422.1); c.905-3C>T (NM_133644.4); c.809-3C>T (NM_001128855.3).
Identifiers: ClinVar variation 1413435 (VCV001413435.6), dbSNP rs765057345, ClinGen allele CA9293544.